The following is an entry in ClinVar:

ClinVar aggregate classification (germline): Likely pathogenic (1 of 4 stars; one submission).

Conditions:
Retinitis pigmentosa 39 (RP39). Identifiers: Orphanet 791, MedGen C3151138, MONDO:0013436, OMIM 613809.

Submission:

3billion
Classification: Likely pathogenic for Retinitis pigmentosa 39. Last evaluated: 2024-08-23. Review status: criteria provided, single submitter. Criteria: ACMG Guidelines, 2015. Collection method: clinical testing. Allele origin: germline. Affected: yes.
Comment: The variant is not observed in the gnomAD v4.0.0 dataset. Predicted Consequence/Location: Stop-gained (nonsense): predicted to result in a loss or disruption of normal protein function through nonsense-mediated decay (NMD) or protein truncation. Multiple pathogenic variants are reported downstream of the variant. Therefore, this variant is classified as Likely pathogenic according to the recommendation of ACMG/AMP guideline.

NM_206933.4(USH2A):c.2706_2707del (p.Cys902_Asp903delinsTer)

Genes: USH2A (usherin; minus strand), LOC122152296 (Sharpr-MPRA regulatory region 8762; plus strand). Cytogenetic location: 1q41.
Variant type: Microsatellite.
Coding change: c.2706_2707del on transcript NM_206933.4 (MANE Select); coding-DNA positions 2706 to 2707, 2 bases deleted (TG; older notation c.2706_2707delTG).
Protein change: p.Cys902_Asp903delinsTer.
Molecular consequence: nonsense.
Genome position (GRCh38, 1-based): chr1:216,246,687-216,246,688, CA deleted on the plus strand (TG on the coding strand, the reverse complement: USH2A is on the minus strand); deleting any 2 consecutive bases within chr1:216,246,687-216,246,691 gives the same sequence; the c. name uses the placement nearest the transcript's 3' end. VCF-style (leftmost placement, unchanged base first): chr1-216246686-TCA-T. GRCh37 (hg19) VCF-style: chr1-216420028-TCA-T.
Other names: c.2706_2707del, p.Cys902_Asp903delinsTer (NM_007123.6).
Identifiers: ClinVar variation 4292466 (VCV004292466.1).